The following is an entry in ClinVar:

ClinVar aggregate classification (germline): Likely benign. Review status: reviewed by expert panel (3 of 4 stars). 2 submissions from 2 submitters: Likely benign (1). 1 of the submissions does not count toward it. Last evaluated 2026-04-30.

Conditions:
Beta-thalassemia HBB/LCRB. Identifiers: MedGen CN322236, MONDO:0013517, OMIM 613985.

Allele frequency attached by ClinVar (database versions not stated): TOPMed 0.00076; 1000 Genomes Project 0.00080; gnomAD 0.00085 and 0.00077; gnomAD exomes 0.00014; 1000 Genomes Project 30x 0.00141.
gnomAD v4.1: 188 of 590,224 alleles (0.032%); highest among the groups gnomAD compares: African/African-American, 0.26%; 2 homozygotes.

Submissions (2):

ClinGen Hemoglobinopathy Variant Curation Expert Panel, ClinGen
Classification: Likely benign for Beta-thalassemia HBB/LCRB. Last evaluated: 2026-04-30. Review status: reviewed by expert panel. Criteria: ClinGen Hb Opathy ACMG Specifications HBB V1.0.0. Collection method: curation. Allele origin: germline. Inheritance: Autosomal recessive inheritance.
Comment: The c.315+260A>G variant in found in intron 2 of HBB. The observed phenotype is consistent with that reported for each variant individually [BS2_P; The Hemoglobinopathies Laboratory, Department of Human and Clinical Genetics, Leiden University Medical Center]. The highest population minor allele frequency in gnomAD v4.1 is 0.002204 (137/53672 alleles) in African/African-American, which is higher than the ClinGen Hemoglobinopathy VCEP threshold (≥0.001) for BS1, and therefore meets this criterion [BS1]. In summary, this variant meets the criteria to be classified as Likely Benign for beta-thalassemia HBB/LCRB (MONDO:0013517) in an autosomal recessive manner based on the ACMG/AMP criteria applied, as specified by the ClinGen Hemoglobinopathy VCEP (specification version 1.0.0): BS1, BS2_P

Labcorp Genetics (formerly Invitae), Labcorp
Classification: Likely benign. Last evaluated: 2026-01-25. Review status: criteria provided, single submitter. Criteria: Invitae Variant Classification Sherloc (09022015). Collection method: clinical testing. Allele origin: germline. Not counted in ClinVar's aggregate classification.

NM_000518.5(HBB):c.315+260A>G

Genes: HBB (hemoglobin subunit beta; minus strand), LOC107133510 (origin of replication at HBB; plus strand), LOC110006319 (beta-globin gene 3' regulatory region; plus strand). Cytogenetic location: 11p15.4.
Variant type: single nucleotide variant.
Coding change: c.315+260A>G on transcript NM_000518.5 (MANE Select); 260 bases into the intron after coding-DNA position 315, A replaced by G.
Molecular consequence: intron variant.
Genome position (GRCh38, 1-based): chr11:5,226,317, T>C on the plus strand (A>G on the coding strand, the complement: HBB is on the minus strand). VCF-style: chr11-5226317-T-C. GRCh37 (hg19) VCF-style: chr11-5247547-T-C.
Identifiers: ClinVar variation 750903 (VCV000750903.12), dbSNP rs111415391, ClinGen allele CA217113181.
Genomic context (GRCh38, chr11:5,226,317, plus strand): 5'-GACTGTGTAAAGTTTTTTTTTAAGTTACTTAATGTATCTCAGAGATATTTCCTTTTGTTA[T>C]ACACAATGTTAAGGCATTAAGTATAATAGTAAAAATTGCGGAGAAGAAAAAAAAAGAAAG-3'